The following is an entry in ClinVar:

NM_001089.3(ABCA3):c.4658T>C (p.Leu1553Pro)

Gene: ABCA3 (ATP binding cassette subfamily A member 3; minus strand). Cytogenetic location: 16p13.3.
Variant type: single nucleotide variant.
Coding change: c.4658T>C on transcript NM_001089.3 (MANE Select); coding-DNA position 4658, T replaced by C.
Protein change: p.Leu1553Pro; replaces leucine 1553 with proline.
Molecular consequence: missense variant.
Genome position (GRCh38, 1-based): chr16:2,278,348, A>G on the plus strand (T>C on the coding strand, the complement: ABCA3 is on the minus strand). VCF-style: chr16-2278348-A-G. GRCh37 (hg19) VCF-style: chr16-2328349-A-G.
Other names: short protein forms L1553P.
Identifiers: ClinVar variation 8013 (VCV000008013.2), dbSNP rs121909183, ClinGen allele CA119215.

ClinVar aggregate classification (germline): Likely pathogenic. Review status: criteria provided, single submitter (1 of 4 stars). 2 submissions from 2 submitters: Likely pathogenic (1). 1 of the submissions does not count toward it. Last evaluated 2026-05-14.

Conditions:
Interstitial lung disease due to ABCA3 deficiency. Also called: PULMONARY ALVEOLAR PROTEINOSIS, CONGENITAL, 3. Identifiers: Orphanet 440402, MedGen C1970456, MONDO:0012582, OMIM 610921.

Submissions (2):

Myriad Genetics, Inc.
Classification: Likely pathogenic for Interstitial lung disease due to ABCA3 deficiency. Last evaluated: 2026-05-14. Review status: criteria provided, single submitter. Criteria: Myriad Autosomal Dominant, Autosomal Recessive and X-Linked Classification Criteria (2023). Collection method: clinical testing. Allele origin: unknown.
Comment: NM_001089.2(ABCA3):c.4658T>C(L1553P) is a missense variant classified as likely pathogenic in the context of surfactant deficiency, ABCA3-related. L1553P has been observed in a case with relevant disease (PMID: 15044640). Relevant functional assessments of this variant are available in the literature (PMID: 16959783; Wambach_2022_(Abstract)). Internal structural analysis of the variant is supportive of pathogenicity. L1553P has not been observed in referenced population frequency databases. In summary, NM_001089.2(ABCA3):c.4658T>C(L1553P) is a missense variant that has both functional and internal structural support for pathogenicity and has been observed more frequently in cases with the relevant disease than in healthy populations. Please note: this variant was assessed in the context of healthy population screening.

OMIM
Classification: Pathogenic for SURFACTANT METABOLISM DYSFUNCTION, PULMONARY, 3. Last evaluated: 2004-03-25. Review status: no assertion criteria provided. Collection method: literature only. Allele origin: germline. Not counted in ClinVar's aggregate classification.

Literature cited by the submitters: PubMed 15044640 (cited by Myriad Genetics, Inc. and OMIM).